The following is an entry in ClinVar:

NM_000179.3(MSH6):c.1931G>T (p.Arg644Met)

Gene: MSH6 (mutS homolog 6; plus strand). Cytogenetic location: 2p16.3.
Variant type: single nucleotide variant.
Coding change: c.1931G>T on transcript NM_000179.3 (MANE Select); coding-DNA position 1931, G replaced by T.
Protein change: p.Arg644Met; replaces arginine 644 with methionine.
Molecular consequence: missense variant. On other transcripts: non-coding transcript variant (5), intron variant (2).
Genome position (GRCh38, 1-based): chr2:47,799,914, G>T. VCF-style: chr2-47799914-G-T. GRCh37 (hg19) VCF-style: chr2-48027053-G-T.
Other names: c.1541G>T, p.Arg514Met (NM_001281492.2); c.1025G>T, p.Arg342Met (NM_001281493.2, NM_001281494.2, NM_001406811.1 and 6 more transcripts); c.2027G>T, p.Arg676Met (NM_001406795.1, NM_001406802.1); c.1931G>T, p.Arg644Met (NM_001406796.1, NM_001406798.1, NM_001406800.1 and 3 more transcripts); c.1634G>T, p.Arg545Met (NM_001406797.1, NM_001406801.1, NM_001406805.1 and 10 more transcripts); c.1406G>T, p.Arg469Met (NM_001406799.1, NM_001406806.1, NM_001406807.1); c.1853G>T, p.Arg618Met (NM_001406804.1); c.1937G>T, p.Arg646Met (NM_001406813.1); and 3 more; short protein forms R514M, R618M, R342M, R588M, R545M, R644M, R646M, R676M.
Identifiers: ClinVar variation 4657505 (VCV004657505.1).

ClinVar aggregate classification (germline): Uncertain significance (1 of 4 stars; one submission).

Conditions:
Hereditary cancer-predisposing syndrome. Also called: Neoplastic Syndromes, Hereditary; Tumor predisposition; Hereditary Cancer Syndrome; Hereditary neoplastic syndrome. Identifiers: Orphanet 140162, MedGen C0027672, MeSH D009386, MONDO:0015356.

Submission:

Ambry Genetics
Classification: Uncertain significance for Hereditary cancer-predisposing syndrome. Last evaluated: 2025-09-26. Review status: criteria provided, single submitter. Criteria: Ambry Variant Classification Scheme 2023. Collection method: clinical testing. Allele origin: germline.
Comment: The p.R644M variant (also known as c.1931G>T), located in coding exon 4 of the MSH6 gene, results from a G to T substitution at nucleotide position 1931. The arginine at codon 644 is replaced by methionine, an amino acid with similar properties. This amino acid position is conserved. In addition, this alteration is predicted to be tolerated by in silico analysis. Based on the available evidence, the clinical significance of this variant remains unclear.